The following is an entry in ClinVar:

NM_001276270.2(MBD4):c.1091T>C (p.Val364Ala)

Gene: MBD4 (methyl-CpG binding domain 4, DNA glycosylase; minus strand). Cytogenetic location: 3q21.3.
Variant type: single nucleotide variant.
Coding change: c.1091T>C on transcript NM_001276270.2 (MANE Select); coding-DNA position 1091, T replaced by C.
Protein change: p.Val364Ala; replaces valine 364 with alanine.
Molecular consequence: missense variant. On other transcripts: intron variant (1).
Genome position (GRCh38, 1-based): chr3:129,436,553, A>G on the plus strand (T>C on the coding strand, the complement: MBD4 is on the minus strand). VCF-style: chr3-129436553-A-G. GRCh37 (hg19) VCF-style: chr3-129155396-A-G.
Other names: c.1091T>C, p.Val364Ala (NM_001276271.2, NM_001276272.2, NM_003925.3); c.247+1255T>C (NM_001276273.2); short protein forms V364A.
Identifiers: ClinVar variation 3543759 (VCV003543759.3).

ClinVar aggregate classification (germline): Uncertain significance. Review status: criteria provided, multiple submitters, no conflicts (2 of 4 stars). 2 submissions from 2 submitters: Uncertain significance (2). Last evaluated 2026-01-13.

Conditions:
Inborn genetic diseases. Identifiers: MedGen C0950123, MeSH D030342.

gnomAD v4.1: 4 of 1,613,976 alleles (0.00025%); highest among the groups gnomAD compares: Admixed American, 0.0033%; no homozygotes.

Submissions (2):

Labcorp Genetics (formerly Invitae), Labcorp
Classification: Uncertain significance. Last evaluated: 2026-01-13. Review status: criteria provided, single submitter. Criteria: Invitae Variant Classification Sherloc (09022015). Collection method: clinical testing. Allele origin: germline.
Comment: This sequence change replaces valine, which is neutral and non-polar, with alanine, which is neutral and non-polar, at codon 364 of the MBD4 protein (p.Val364Ala). This variant is present in population databases (no rsID available, gnomAD 0.01%). This variant has not been reported in the literature in individuals affected with MBD4-related conditions. ClinVar contains an entry for this variant (Variation ID: 3543759). An algorithm developed to predict the effect of missense changes on protein structure and function outputs the following: PolyPhen-2: "Benign". The alanine amino acid residue is found in multiple mammalian species, which suggests that this missense change does not adversely affect protein function. In summary, the available evidence is currently insufficient to determine the role of this variant in disease. Therefore, it has been classified as a Variant of Uncertain Significance.

Ambry Genetics
Classification: Uncertain significance for Inborn genetic diseases. Last evaluated: 2024-11-18. Review status: criteria provided, single submitter. Criteria: Ambry Variant Classification Scheme 2023. Collection method: clinical testing. Allele origin: germline.
Comment: The p.V364A variant (also known as c.1091T>C), located in coding exon 3 of the MBD4 gene, results from a T to C substitution at nucleotide position 1091. The valine at codon 364 is replaced by alanine, an amino acid with similar properties. This amino acid position is conserved. In addition, this alteration is predicted to be tolerated by in silico analysis. Based on the available evidence, the clinical significance of this variant remains unclear.